The following is an entry in ClinVar:

ClinVar aggregate classification (germline): Pathogenic (1 of 4 stars; one submission).

Conditions:
Hereditary cancer-predisposing syndrome. Also called: Neoplastic Syndromes, Hereditary; Tumor predisposition; Hereditary neoplastic syndrome; Hereditary Cancer Syndrome. Identifiers: Orphanet 140162, MedGen C0027672, MeSH D009386, MONDO:0015356.

Submission:

Ambry Genetics
Classification: Pathogenic for Hereditary cancer-predisposing syndrome. Last evaluated: 2024-02-16. Review status: criteria provided, single submitter. Criteria: Ambry Variant Classification Scheme 2023. Collection method: clinical testing. Allele origin: germline.
Comment: The p.E160* pathogenic mutation (also known as c.478G>T), located in coding exon 3 of the VHL gene, results from a G to T substitution at nucleotide position 478. This changes the amino acid from a glutamic acid to a stop codon within coding exon 3. This alteration occurs at the 3' terminus of theVHL gene, is not expected to trigger nonsense-mediated mRNA decay, and impacts the last 25% of the protein. However, premature stop codons are typically deleterious in nature, the impacted region is critical for protein function, and a significant portion of the protein is affected (Ambry internal data). This variant has been observed in at least one individual with a personal and/or family history that is consistent with von Hippel-Lindau syndrome (Ambry internal data). This variant is considered to be rare based on population cohorts in the Genome Aggregation Database (gnomAD). Based on the supporting evidence, this alteration is interpreted as a disease-causing mutation.

NM_000551.4(VHL):c.478G>T (p.Glu160Ter)

Genes: VHL (von Hippel-Lindau tumor suppressor; plus strand), LOC107303340 (3p25 von Hippel-Lindau tumor suppressor, E3 ubiquitin protein ligase Alu-mediated recombination region; plus strand). Cytogenetic location: 3p25.3.
Variant type: single nucleotide variant.
Coding change: c.478G>T on transcript NM_000551.4 (MANE Select); coding-DNA position 478, G replaced by T.
Protein change: p.Glu160Ter; replaces glutamic acid 160 with a stop codon.
Molecular consequence: nonsense. On other transcripts: 3 prime UTR variant (1), non-coding transcript variant (1).
Genome position (GRCh38, 1-based): chr3:10,149,801, G>T. VCF-style: chr3-10149801-G-T. GRCh37 (hg19) VCF-style: chr3-10191485-G-T.
Other names: c.*32G>T (NM_001354723.2); c.355G>T, p.Glu119Ter (NM_198156.3); short protein forms E119*, E160*.
Identifiers: ClinVar variation 3232223 (VCV003232223.1), dbSNP rs1696354965, ClinGen allele CA351756095.